The following is an entry in ClinVar:

ClinVar aggregate classification (germline): Pathogenic (1 of 4 stars; one submission).

Conditions:
Epilepsy, familial focal, with variable foci 3 (FFEVF3). Identifiers: MedGen C4310708, MONDO:0014925, OMIM 617118.

Submission:

Labcorp Genetics (formerly Invitae), Labcorp
Classification: Pathogenic for Epilepsy, familial focal, with variable foci 3. Last evaluated: 2025-10-08. Review status: criteria provided, single submitter. Criteria: Invitae Variant Classification Sherloc (09022015). Collection method: clinical testing. Allele origin: germline.
Comment: This sequence change creates a premature translational stop signal (p.Leu145Argfs*25) in the NPRL3 gene. It is expected to result in an absent or disrupted protein product. Loss-of-function variants in NPRL3 are known to be pathogenic (PMID: 26285051, 26505888). This variant is not present in population databases (gnomAD no frequency). This variant has not been reported in the literature in individuals affected with NPRL3-related conditions. ClinVar contains an entry for this variant (Variation ID: 2769875). For these reasons, this variant has been classified as Pathogenic.

Literature cited by the submitters: PubMed 26285051; PubMed 26505888.

NM_001077350.3(NPRL3):c.434_453del (p.Leu145fs)

Genes: HBA-LCR (alpha-globin locus control region; plus strand), NPRL3 (NPR3 like, GATOR1 complex subunit; minus strand). Cytogenetic location: 16p13.3.
Variant type: Deletion.
Coding change: c.434_453del on transcript NM_001077350.3 (MANE Select); coding-DNA positions 434 to 453, 20 bases deleted (TGTCCCGTCGTATCGCCACC).
Protein change: p.Leu145fs; shifts the reading frame from leucine 145.
Molecular consequence: frameshift variant. On other transcripts: 5 prime UTR variant (1).
Genome position (GRCh38, 1-based): chr16:112,716-112,735, GGTGGCGATACGACGGGACA deleted on the plus strand (TGTCCCGTCGTATCGCCACC on the coding strand, the reverse complement: NPRL3 is on the minus strand); deleting any 20 consecutive bases within chr16:112,716-112,738 gives the same sequence; the c. name uses the placement nearest the transcript's 3' end. VCF-style (leftmost placement, unchanged base first): chr16-112715-CGGTGGCGATACGACGGGACA-C. GRCh37 (hg19) VCF-style: chr16-162714-CGGTGGCGATACGACGGGACA-C.
Other names: c.-104_-85del (NM_001039476.3); c.200_219del, p.Leu67fs (NM_001243247.2); c.359_378del, p.Leu120fs (NM_001243248.2, NM_001243249.2); short protein forms L120fs, L145fs, L67fs.
Identifiers: ClinVar variation 2769875 (VCV002769875.3), dbSNP rs2542856290, ClinGen allele CA2697549457.